The following is an entry in ClinVar:

ClinVar aggregate classification (germline): Uncertain significance (1 of 4 stars; one submission).

Conditions:
Kleefstra syndrome 1 (KLEFS1). Identifiers: Orphanet 261494, MedGen C0795833, MONDO:0027407, OMIM 610253.

Submission:

Juno Genomics, Hangzhou Juno Genomics, Inc
Classification: Uncertain significance for Kleefstra syndrome 1. Review status: criteria provided, single submitter. Criteria: ACMG Guidelines, 2015. Collection method: clinical testing. Allele origin: germline. Affected: yes.
Comment: Absent from controls (or at extremely low frequency if recessive) in Genome Aggregation Database, Exome Sequencing Project, 1000 Genomes Project, or Exome Aggregation Consortium.;Multiple lines of computational evidence support a deleterious effect on the gene or gene product (conservation, evolutionary, splicing impact, etc).

NM_024757.5(EHMT1):c.3449C>T (p.Thr1150Ile)

Gene: EHMT1 (euchromatic histone lysine methyltransferase 1; plus strand). Cytogenetic location: 9q34.3.
Variant type: single nucleotide variant.
Coding change: c.3449C>T on transcript NM_024757.5 (MANE Select); coding-DNA position 3449, C replaced by T.
Protein change: p.Thr1150Ile; replaces threonine 1150 with isoleucine.
Molecular consequence: missense variant.
Genome position (GRCh38, 1-based): chr9:137,817,513, C>T. VCF-style: chr9-137817513-C-T. GRCh37 (hg19) VCF-style: chr9-140711965-C-T.
Other names: c.3428C>T, p.Thr1143Ile (NM_001354263.2); short protein forms T1143I, T1150I.
Identifiers: ClinVar variation 3906977 (VCV003906977.2).